The following is an entry in ClinVar:

NM_001079866.2(BCS1L):c.308_309insTGCGG (p.His104fs)

Gene: BCS1L (BCS1 ubiquinol-cytochrome c reductase complex chaperone; plus strand). Cytogenetic location: 2q35.
Variant type: Insertion.
Coding change: c.308_309insTGCGG on transcript NM_001079866.2 (MANE Select); coding-DNA positions 308 to 309, TGCGG inserted.
Protein change: p.His104fs; shifts the reading frame from histidine 104.
Molecular consequence: frameshift variant. On other transcripts: 5 prime UTR variant (5), non-coding transcript variant (1), intron variant (3).
Genome position: GRCh38 VCF-style: chr2-218661295-A-ATGCGG. GRCh37 (hg19) VCF-style: chr2-219526018-A-ATGCGG.
Other names: c.308_309insTGCGG, p.His104fs (NM_001257342.2, NM_001257343.2, NM_001257344.2 and 10 more transcripts); c.-169_-168insTGCGG (NM_001371453.1, NM_001371454.1, NM_001371455.1 and 2 more transcripts); c.-40-111_-40-110insTGCGG (NM_001371451.1, NM_001318836.2); c.-41-464_-41-463insTGCGG (NM_001371452.1); short protein forms H104fs.
Identifiers: ClinVar variation 1724757 (VCV001724757.3), dbSNP rs2469869076, ClinGen allele CA2580065705.

ClinVar aggregate classification (germline): Likely pathogenic (1 of 4 stars; one submission).

Conditions:
BCS1L-related disorder. Also called: BCS1L-related disorders; BCS1L-related condition. Identifiers: MedGen CN239240.

Submission:

Myriad Genetics, Inc.
Classification: Likely pathogenic for BCS1L-related disorder. Last evaluated: 2022-02-25. Review status: criteria provided, single submitter. Criteria: Myriad Autosomal Dominant, Autosomal Recessive and X-Linked Classification Criteria (2023). Collection method: clinical testing. Allele origin: unknown.
Comment: NM_004328.4(BCS1L):c.308_309ins5(H104Afs*14) is expected to be pathogenic in the context of BCS1L-related disorders. This variant is predicted to lead to an abnormal or absent protein product due to the creation of a premature termination codon in BCS1L, a gene where loss-of-function variants are known to be pathogenic. Please note: this variant was assessed in the context of healthy population screening.